The following is an entry in ClinVar:

NM_000368.5(TSC1):c.2471C>A (p.Thr824Asn)

Gene: TSC1 (TSC complex subunit 1; minus strand). Cytogenetic location: 9q34.13.
Variant type: single nucleotide variant.
Coding change: c.2471C>A on transcript NM_000368.5 (MANE Select); coding-DNA position 2471, C replaced by A.
Protein change: p.Thr824Asn; replaces threonine 824 with asparagine.
Molecular consequence: missense variant.
Genome position (GRCh38, 1-based): chr9:132,901,620, G>T on the plus strand (C>A on the coding strand, the complement: TSC1 is on the minus strand). VCF-style: chr9-132901620-G-T. GRCh37 (hg19) VCF-style: chr9-135777007-G-T.
Other names: c.2471C>A (NM_000368.4); c.2468C>A, p.Thr823Asn (NM_001162426.2); c.2318C>A, p.Thr773Asn (NM_001162427.2); c.2108C>A, p.Thr703Asn (NM_001362177.2); short protein forms T823N, T703N, T773N, T824N.
Identifiers: ClinVar variation 1036878 (VCV001036878.9), dbSNP rs1845375284, ClinGen allele CA375358304.

ClinVar aggregate classification (germline): Uncertain significance. Review status: criteria provided, multiple submitters, no conflicts (2 of 4 stars). 2 submissions from 2 submitters: Uncertain significance (2). Last evaluated 2026-07-02.

Conditions:
Tuberous sclerosis 1 (TSC1). Identifiers: Orphanet 805, MedGen C1854465, MONDO:0008612, OMIM 191100.
Hereditary cancer-predisposing syndrome. Also called: Tumor predisposition; Hereditary Cancer Syndrome; Hereditary neoplastic syndrome; Neoplastic Syndromes, Hereditary. Identifiers: Orphanet 140162, MedGen C0027672, MeSH D009386, MONDO:0015356.

Allele frequency attached by ClinVar (database versions not stated): gnomAD exomes below 0.00001.

Submissions (2):

Ambry Genetics
Classification: Uncertain significance for Hereditary cancer-predisposing syndrome. Last evaluated: 2026-07-02. Review status: criteria provided, single submitter. Criteria: Ambry Variant Classification Scheme 2023. Collection method: clinical testing. Allele origin: germline.
Comment: The p.T824N variant (also known as c.2471C>A), located in coding exon 17 of the TSC1 gene, results from a C to A substitution at nucleotide position 2471. The threonine at codon 824 is replaced by asparagine, an amino acid with similar properties. This amino acid position is conserved. In addition, the in silico prediction for this alteration is inconclusive. Based on the available evidence, the clinical significance of this variant remains unclear.

Labcorp Genetics (formerly Invitae), Labcorp
Classification: Uncertain significance for Tuberous sclerosis 1. Last evaluated: 2024-08-21. Review status: criteria provided, single submitter. Criteria: Invitae Variant Classification Sherloc (09022015). Collection method: clinical testing. Allele origin: germline.
Comment: This sequence change replaces threonine, which is neutral and polar, with asparagine, which is neutral and polar, at codon 824 of the TSC1 protein (p.Thr824Asn). This variant is not present in population databases (gnomAD no frequency). This variant has not been reported in the literature in individuals affected with TSC1-related conditions. ClinVar contains an entry for this variant (Variation ID: 1036878). Invitae Evidence Modeling of protein sequence and biophysical properties (such as structural, functional, and spatial information, amino acid conservation, physicochemical variation, residue mobility, and thermodynamic stability) indicates that this missense variant is not expected to disrupt TSC1 protein function with a negative predictive value of 95%. In summary, the available evidence is currently insufficient to determine the role of this variant in disease. Therefore, it has been classified as a Variant of Uncertain Significance.